The following is an entry in ClinVar:

ClinVar aggregate classification (germline): Uncertain significance (1 of 4 stars; one submission).

Conditions:
Familial cancer of breast. Also called: hereditary breast carcinoma; BREAST CANCER, FAMILIAL; Hereditary breast cancer. Identifiers: Orphanet 227535, MedGen C0346153, MONDO:0016419, OMIM 114480. Disease mechanism: loss of function.

Submission:

Labcorp Genetics (formerly Invitae), Labcorp
Classification: Uncertain significance for Familial cancer of breast. Last evaluated: 2023-02-04. Review status: criteria provided, single submitter. Criteria: Invitae Variant Classification Sherloc (09022015). Collection method: clinical testing. Allele origin: germline.
Comment: In summary, the available evidence is currently insufficient to determine the role of this variant in disease. Therefore, it has been classified as a Variant of Uncertain Significance. Algorithms developed to predict the effect of missense changes on protein structure and function (SIFT, PolyPhen-2, Align-GVGD) all suggest that this variant is likely to be tolerated. This variant has not been reported in the literature in individuals affected with BARD1-related conditions. This variant is not present in population databases (gnomAD no frequency). This sequence change replaces glutamine, which is neutral and polar, with proline, which is neutral and non-polar, at codon 177 of the BARD1 protein (p.Gln177Pro).

NM_000465.4(BARD1):c.530A>C (p.Gln177Pro)

Gene: BARD1 (BRCA1 associated RING domain 1; minus strand). Cytogenetic location: 2q35.
Variant type: single nucleotide variant.
Coding change: c.530A>C on transcript NM_000465.4 (MANE Select); coding-DNA position 530, A replaced by C.
Protein change: p.Gln177Pro; replaces glutamine 177 with proline.
Molecular consequence: missense variant. On other transcripts: non-coding transcript variant (2), intron variant (3).
Genome position (GRCh38, 1-based): chr2:214,781,344, T>G on the plus strand (A>C on the coding strand, the complement: BARD1 is on the minus strand). VCF-style: chr2-214781344-T-G. GRCh37 (hg19) VCF-style: chr2-215646068-T-G.
Other names: c.473A>C, p.Gln158Pro (NM_001282543.2); c.158+28068A>C (NM_001282548.2); c.215+15717A>C (NM_001282545.2); c.364+10953A>C (NM_001282549.2); short protein forms Q177P, Q158P.
Identifiers: ClinVar variation 2834462 (VCV002834462.3), dbSNP rs2469512214, ClinGen allele CA350457451.